The following is an entry in ClinVar:

NC_000019.9:g.(?_1040105)_(1065572_?)dup

Gene: ABCA7 (ATP binding cassette subfamily A member 7; plus strand). Cytogenetic location: 19p13.3.
Variant type: Duplication.
Identifiers: ClinVar variation 3339182 (VCV003339182.1).

ClinVar aggregate classification (germline): Uncertain significance (1 of 4 stars; one submission).

Submission:

Women's Health and Genetics/Laboratory Corporation of America, LabCorp
Classification: Uncertain significance. Last evaluated: 2024-07-02. Review status: criteria provided, single submitter. Criteria: LabCorp Variant Classification Summary - May 2015. Collection method: clinical testing. Allele origin: germline.
Comment: Variant summary: The variant involves the duplication of exons 1-47 in the ABCA7 gene. A presumed nomenclature of c.(?_-228)_(*148_?)dup has been designated for the purposes of this classification. This duplication includes the entire coding sequence of the gene. As exact breakpoints are unknown, it may extend beyond the annotated region of the gene, to include other flanking genes. A large duplication variant (size: ~136.4 Kbp) encompassing the ABCA7 gene (which extends further upstream, including several other neighboring genes) was found at a frequency of 1.1e-05 in 462878 control chromosomes (i.e. in 5 alleles) in the gnomAD database (CNVs v4.1 dataset; zygosity not specified in this dataset). The available data on variant occurrences in the general population are insufficient to allow any conclusion about variant significance. To our knowledge, no occurrence of c.(?_-228)_(*148_?)dup in individuals affected with Alzheimer Disease, Type 9 and no experimental evidence demonstrating its impact on protein function have been reported. No submitters have cited clinical-significance assessments for this variant to ClinVar. Based on the evidence outlined above, the variant was classified as uncertain significance.